The following is an entry in ClinVar:

ClinVar aggregate classification (germline): Pathogenic (1 of 4 stars; one submission).

Conditions:
Spondyloepiphyseal dysplasia. Also called: Spondylo-epi-(meta)-physeal dysplasia. Identifiers: Orphanet 253, MedGen C0038015, MONDO:0016761, HP:0002655.

Submission:

Dubai Health Genomic Medicine Center, Dubai Health
Classification: Pathogenic for Spondyloepiphyseal dysplasia. Last evaluated: 2024-10-04. Review status: criteria provided, single submitter. Criteria: ACMG Guidelines, 2015. Collection method: research. Allele origin: germline. Affected: yes.
Comment: PVS1,PM2,PP4

NM_001369268.1(ACAN):c.1513del (p.Ala505fs)

Gene: ACAN (aggrecan; plus strand). Cytogenetic location: 15q26.1.
Variant type: Deletion.
Coding change: c.1513del on transcript NM_001369268.1 (MANE Select); coding-DNA position 1513, one base deleted (G; older notation c.1513delG).
Protein change: p.Ala505fs; shifts the reading frame from alanine 505.
Molecular consequence: frameshift variant.
Genome position (GRCh38, 1-based): chr15:88,847,326, G deleted; the last of 5 consecutive G bases (chr15:88,847,322-88,847,326); deleting any one gives the same sequence. VCF-style (leftmost placement, unchanged base first): chr15-88847321-CG-C. GRCh37 (hg19) VCF-style: chr15-89390552-CG-C.
Other names: c.1513del, p.Ala505fs (NM_001135.4, NM_001411096.1, NM_001411097.1 and 1 more transcripts); short protein forms A505fs.
Identifiers: ClinVar variation 3384000 (VCV003384000.1).